The following is an entry in ClinVar:

ClinVar aggregate classification (germline): Uncertain significance (1 of 4 stars; one submission).

Conditions:
Cardiovascular phenotype. Identifiers: MedGen CN230736.

Submission:

Ambry Genetics
Classification: Uncertain significance for Cardiovascular phenotype. Last evaluated: 2022-12-22. Review status: criteria provided, single submitter. Criteria: Ambry Variant Classification Scheme 2023. Collection method: clinical testing. Allele origin: germline.
Comment: The p.E591V variant (also known as c.1772A>T), located in coding exon 18 of the RYR2 gene, results from an A to T substitution at nucleotide position 1772. The glutamic acid at codon 591 is replaced by valine, an amino acid with dissimilar properties. This amino acid position is highly conserved in available vertebrate species. In addition, this alteration is predicted to be deleterious by in silico analysis. Since supporting evidence is limited at this time, the clinical significance of this alteration remains unclear.

NM_001035.3(RYR2):c.1772A>T (p.Glu591Val)

Gene: RYR2 (ryanodine receptor 2; plus strand). Cytogenetic location: 1q43.
Variant type: single nucleotide variant.
Coding change: c.1772A>T on transcript NM_001035.3 (MANE Select); coding-DNA position 1772, A replaced by T.
Protein change: p.Glu591Val; replaces glutamic acid 591 with valine.
Molecular consequence: missense variant.
Genome position (GRCh38, 1-based): chr1:237,491,869, A>T. VCF-style: chr1-237491869-A-T. GRCh37 (hg19) VCF-style: chr1-237655169-A-T.
Other names: short protein forms E591V.
Identifiers: ClinVar variation 2454011 (VCV002454011.2), dbSNP rs1331795032, ClinGen allele CA345388038.